The following is an entry in ClinVar:

NM_000352.6(ABCC8):c.1672-74G>A

Gene: ABCC8 (ATP binding cassette subfamily C member 8; minus strand). Cytogenetic location: 11p15.1.
Variant type: single nucleotide variant.
Coding change: c.1672-74G>A on transcript NM_000352.6 (MANE Select); 74 bases into the intron before coding-DNA position 1672, G replaced by A.
Molecular consequence: intron variant.
Genome position (GRCh38, 1-based): chr11:17,431,033, C>T on the plus strand (G>A on the coding strand, the complement: ABCC8 is on the minus strand). VCF-style: chr11-17431033-C-T. GRCh37 (hg19) VCF-style: chr11-17452580-C-T.
Other names: c.1669-74G>A (NM_001351297.2, NM_001351296.2); c.1672-74G>A (NM_001351295.2, NM_001287174.3).
Identifiers: ClinVar variation 1169737 (VCV001169737.13), dbSNP rs2074308, ClinGen allele CA13478864.

ClinVar aggregate classification (germline): Benign/Likely benign. Review status: criteria provided, multiple submitters, no conflicts (2 of 4 stars). 4 submissions from 4 submitters: Benign (3); Likely benign (1). Last evaluated 2025-06-03.

Allele frequency attached by ClinVar (database versions not stated): TOPMed 0.11026; gnomAD 0.11501 and 0.12150; 1000 Genomes Project 30x 0.14507; 1000 Genomes Project 0.14896; gnomAD exomes 0.15246.
gnomAD v4.1: 235,857 of 1,580,530 alleles (15%); highest among the groups gnomAD compares: South Asian, 25%; 19,098 homozygotes.

Submissions (4):

Labcorp Genetics (formerly Invitae), Labcorp
Classification: Benign. Last evaluated: 2025-06-03. Review status: criteria provided, single submitter. Criteria: Invitae Variant Classification Sherloc (09022015). Collection method: clinical testing. Allele origin: germline.

GeneDx
Classification: Benign. Last evaluated: 2018-08-25. Review status: criteria provided, single submitter. Criteria: GeneDx Variant Classification Process June 2021. Collection method: clinical testing. Allele origin: germline. Affected: yes.
Comment: This variant is associated with the following publications: (PMID: 14551916)

Blueprint Genetics
Classification: Likely benign. Last evaluated: 2018-06-27. Review status: criteria provided, single submitter. Criteria: ACMG Guidelines, 2015. Collection method: clinical testing. Allele origin: germline.

Breakthrough Genomics
Classification: Benign. Review status: criteria provided, single submitter. Criteria: ACMG Guidelines, 2015. Collection method: not provided. Allele origin: germline. Inheritance: Autosomal recessive inheritance. Affected: yes.